The following is an entry in ClinVar:

NM_002677.5(PMP2):c.191_193del (p.Ser64del)

Gene: PMP2 (peripheral myelin protein 2; minus strand). Cytogenetic location: 8q21.13.
Variant type: Deletion.
Coding change: c.191_193del on transcript NM_002677.5 (MANE Select); coding-DNA positions 191 to 193, 3 bases deleted (CCT; older notation c.191_193delCCT).
Protein change: p.Ser64del; deletes serine 64.
Molecular consequence: inframe deletion. On other transcripts: intron variant (1).
Genome position (GRCh38, 1-based): chr8:81,444,870-81,444,872, AGG deleted on the plus strand (CCT on the coding strand, the reverse complement: PMP2 is on the minus strand); deleting any 3 consecutive bases within chr8:81,444,870-81,444,874 gives the same sequence; the c. name uses the placement nearest the transcript's 3' end. VCF-style (leftmost placement, unchanged base first): chr8-81444869-AAGG-A. GRCh37 (hg19) VCF-style: chr8-82357104-AAGG-A.
Other names: c.74-271_74-269del (NM_001348381.2); short protein forms S64del.
Identifiers: ClinVar variation 2073886 (VCV002073886.4), dbSNP rs2487481702, ClinGen allele CA2580078950.
Genomic context (GRCh38, chr8:81,444,869, plus strand): 5'-AAGATTACCTTGGTCTTTCTATTGTCAGCTGTGGTTTCTTCAAATTCCTGGCCTAGCTTG[AAGG>A]AGATTTCTGTATTTTTAAAGGTACTTTCAGTTCGTATAGTTATAATATCTCCTTTCTTGC-3'

ClinVar aggregate classification (germline): Uncertain significance (1 of 4 stars; one submission).

Submission:

Labcorp Genetics (formerly Invitae), Labcorp
Classification: Uncertain significance. Last evaluated: 2025-05-27. Review status: criteria provided, single submitter. Criteria: Invitae Variant Classification Sherloc (09022015). Collection method: clinical testing. Allele origin: germline.
Comment: This variant, c.191_193del, results in the deletion of 1 amino acid(s) of the PMP2 protein (p.Ser64del), but otherwise preserves the integrity of the reading frame. This variant is not present in population databases (gnomAD no frequency). This variant has not been reported in the literature in individuals affected with PMP2-related conditions. ClinVar contains an entry for this variant (Variation ID: 2073886). Experimental studies and prediction algorithms are not available or were not evaluated, and the functional significance of this variant is currently unknown. In summary, the available evidence is currently insufficient to determine the role of this variant in disease. Therefore, it has been classified as a Variant of Uncertain Significance.